The following is an entry in ClinVar:

NM_014975.3(MAST1):c.175A>G (p.Ser59Gly)

Gene: MAST1 (microtubule associated serine/threonine kinase 1; plus strand). Cytogenetic location: 19p13.13.
Variant type: single nucleotide variant.
Coding change: c.175A>G on transcript NM_014975.3 (MANE Select); coding-DNA position 175, A replaced by G.
Protein change: p.Ser59Gly; replaces serine 59 with glycine.
Molecular consequence: missense variant.
Genome position (GRCh38, 1-based): chr19:12,840,993, A>G. VCF-style: chr19-12840993-A-G. GRCh37 (hg19) VCF-style: chr19-12951807-A-G.
Other names: c.175A>G (NM_014975.2); short protein forms S59G.
Identifiers: ClinVar variation 2063769 (VCV002063769.5), dbSNP rs911409659, ClinGen allele CA305484371.

ClinVar aggregate classification (germline): Uncertain significance. Review status: criteria provided, multiple submitters, no conflicts (2 of 4 stars). 2 submissions from 2 submitters: Uncertain significance (2). Last evaluated 2025-10-23.

Conditions:
Inborn genetic diseases. Identifiers: MedGen C0950123, MeSH D030342.

Allele frequency attached by ClinVar (database versions not stated): gnomAD exomes 0.00001; gnomAD 0.00001; TOPMed 0.00001.
gnomAD v4.1: 8 of 1,247,418 alleles (0.00064%); highest among the groups gnomAD compares: Non-Finnish European, 0.00095%; no homozygotes.

Submissions (2):

Labcorp Genetics (formerly Invitae), Labcorp
Classification: Uncertain significance. Last evaluated: 2025-10-23. Review status: criteria provided, single submitter. Criteria: Invitae Variant Classification Sherloc (09022015). Collection method: clinical testing. Allele origin: germline.
Comment: This sequence change replaces serine, which is neutral and polar, with glycine, which is neutral and non-polar, at codon 59 of the MAST1 protein (p.Ser59Gly). This variant is not present in population databases (gnomAD no frequency). This variant has not been reported in the literature in individuals affected with MAST1-related conditions. ClinVar contains an entry for this variant (Variation ID: 2063769). An algorithm developed to predict the effect of missense changes on protein structure and function (PolyPhen-2) suggests that this variant is likely to be tolerated. In summary, the available evidence is currently insufficient to determine the role of this variant in disease. Therefore, it has been classified as a Variant of Uncertain Significance.

Ambry Genetics
Classification: Uncertain significance for Inborn genetic diseases. Last evaluated: 2025-04-16. Review status: criteria provided, single submitter. Criteria: Ambry Variant Classification Scheme 2023. Collection method: clinical testing. Allele origin: germline.